The following is an entry in ClinVar:

NM_018489.3(ASH1L):c.961T>A (p.Leu321Ile)

Gene: ASH1L (ASH1 like histone lysine methyltransferase; minus strand). Cytogenetic location: 1q22.
Variant type: single nucleotide variant.
Coding change: c.961T>A on transcript NM_018489.3 (MANE Select); coding-DNA position 961, T replaced by A.
Protein change: p.Leu321Ile; replaces leucine 321 with isoleucine.
Molecular consequence: missense variant.
Genome position (GRCh38, 1-based): chr1:155,481,909, A>T on the plus strand (T>A on the coding strand, the complement: ASH1L is on the minus strand). VCF-style: chr1-155481909-A-T. GRCh37 (hg19) VCF-style: chr1-155451700-A-T.
Other names: c.961T>A, p.Leu321Ile (NM_001366177.2); short protein forms L321I.
Identifiers: ClinVar variation 1696736 (VCV001696736.1), dbSNP rs1665987514, ClinGen allele CA342739973.
Genomic context (GRCh38, chr1:155,481,909, plus strand): 5'-TCTTTCCTGAATCTTTGCTTAGCAGTCCTACTGTAGTGATAGTTCCTGGCTTTTTGCCTA[A>T]GTTTTTATTAATGAATACCGCTGTAGTGCCAGTTCCCAGTTTTTTCACAGAGTCCTTATT-3'
Protein context (NP_060959.2, residues 311-331): GTTAVFINKN[Leu321Ile]GKKPGTITTV

ClinVar aggregate classification (germline): Uncertain significance (1 of 4 stars; one submission).

Conditions:
Intellectual developmental disorder, autosomal dominant 52. Also called: Intellectual disability, autosomal dominant 52; Mental retardation, autosomal dominant 52. Identifiers: MedGen C4540478, MONDO:0030918, OMIM 617796.

Submission:

New York Genome Center
Classification: Uncertain significance for Intellectual developmental disorder, autosomal dominant 52. Last evaluated: 2021-07-23. Review status: criteria provided, single submitter. Criteria: NYGC Assertion Criteria 2020. Collection method: clinical testing. Allele origin: inherited. Observed: 1 heterozygote. Study: CSER-NYCKidSeq.
Comment: The inherited c.961T>A (p.Leu321Ile) variant identified in the ASH1L gene substitutes a conserved Leucine for Isoleucine at amino acid321/2965 (exon 3/28). This variant is absent from gnomAD(v3.1.1) suggesting it is not a common benign variant in the populations represented in that database. In silico algorithms predict this variant to be Damaging (SIFT; score:0.0330) and Benign (REVEL; score:0.244) to the function of the canonical transcript. This variant is absent from ClinVar and to our current knowledge has not been reported in affected individuals in the literature. The p.Leu321 residue is not within a mapped domain of ASH1L (UniProtKB:Q9NR48). Given the lack of compelling evidence for its pathogenicity, the inherited c.961T>A (p.Leu321Ile) variant identified in the ASH1L gene is reported as a Variant of Uncertain Significance.